The following is an entry in ClinVar:

ClinVar aggregate classification (germline): Conflicting classifications of pathogenicity. Review status: criteria provided, conflicting classifications (1 of 4 stars). 2 submissions from 2 submitters: Likely pathogenic (1); Uncertain significance (1). Last evaluated 2022-11-29.

Conditions:
Autosomal recessive limb-girdle muscular dystrophy type 2A (LGMDR1). Also called: LEYDEN-MOEBIUS MUSCULAR DYSTROPHY; MUSCULAR DYSTROPHY, PELVOFEMORAL; Limb-girdle muscular dystrophy, type 2A; Calpainopathy; Muscular dystrophy, limb-girdle, type 2A, Amish. Identifiers: Orphanet 267, MedGen C1869123, MONDO:0009675, OMIM 253600. Disease mechanism: loss of function.

Allele frequency attached by ClinVar (database versions not stated): gnomAD exomes below 0.00001.
gnomAD v4.1: 1 of 1,614,172 alleles (0.000062%); highest among the groups gnomAD compares: Middle Eastern, 0.016%; no homozygotes.

Submissions (2):

Labcorp Genetics (formerly Invitae), Labcorp
Classification: Likely pathogenic for Autosomal recessive limb-girdle muscular dystrophy type 2A. Last evaluated: 2022-11-29. Review status: criteria provided, single submitter. Criteria: Invitae Variant Classification Sherloc (09022015). Collection method: clinical testing. Allele origin: germline.
Comment: This sequence change replaces alanine, which is neutral and non-polar, with valine, which is neutral and non-polar, at codon 45 of the CAPN3 protein (p.Ala45Val). This variant is not present in population databases (gnomAD no frequency). This variant has not been reported in the literature in individuals affected with CAPN3-related conditions. Advanced modeling of protein sequence and biophysical properties (such as structural, functional, and spatial information, amino acid conservation, physicochemical variation, residue mobility, and thermodynamic stability) performed at Invitae indicates that this missense variant is expected to disrupt CAPN3 protein function. This variant disrupts the p.Ala45 amino acid residue in CAPN3. Other variant(s) that disrupt this residue have been determined to be pathogenic (PMID: 15351423, 16650086, 18055493, 19556129). This suggests that this residue is clinically significant, and that variants that disrupt this residue are likely to be disease-causing. In summary, the currently available evidence indicates that the variant is pathogenic, but additional data are needed to prove that conclusively. Therefore, this variant has been classified as Likely Pathogenic.

Revvity Omics, Revvity
Classification: Uncertain significance. Last evaluated: 2019-11-05. Review status: criteria provided, single submitter. Criteria: ACMG Guidelines, 2015. Collection method: clinical testing. Allele origin: germline.

Literature cited by the submitters: PubMed 15351423 (cited by Labcorp Genetics (formerly Invitae), Labcorp); PubMed 16650086 (cited by Labcorp Genetics (formerly Invitae), Labcorp); PubMed 18055493 (cited by Labcorp Genetics (formerly Invitae), Labcorp); PubMed 19556129 (cited by Labcorp Genetics (formerly Invitae), Labcorp).

NM_000070.3(CAPN3):c.134C>T (p.Ala45Val)

Gene: CAPN3 (calpain 3; plus strand). Cytogenetic location: 15q15.1.
Variant type: single nucleotide variant.
Coding change: c.134C>T on transcript NM_000070.3 (MANE Select); coding-DNA position 134, C replaced by T.
Protein change: p.Ala45Val; replaces alanine 45 with valine.
Molecular consequence: missense variant.
Genome position (GRCh38, 1-based): chr15:42,359,939, C>T. VCF-style: chr15-42359939-C-T. GRCh37 (hg19) VCF-style: chr15-42652137-C-T.
Other names: c.134C>T, p.Ala45Val (NM_024344.2, NM_173087.2); c.134C>T (NM_000070.2); short protein forms A45V.
Identifiers: ClinVar variation 2199528 (VCV002199528.7), dbSNP rs2548224782, ClinGen allele CA391994452.